The following is an entry in ClinVar:

NM_001723.7(DST):c.4796A>C (p.Asn1599Thr)

Gene: DST (dystonin; minus strand). Cytogenetic location: 6p12.1.
Variant type: single nucleotide variant.
Coding change: c.4796A>C on transcript NM_001723.7 (MANE Plus Clinical); coding-DNA position 4796, A replaced by C.
Protein change: p.Asn1599Thr; replaces asparagine 1599 with threonine.
Molecular consequence: missense variant. On other transcripts: intron variant (10).
Genome position (GRCh38, 1-based): chr6:56,619,238, T>G on the plus strand (A>C on the coding strand, the complement: DST is on the minus strand). VCF-style: chr6-56619238-T-G. GRCh37 (hg19) VCF-style: chr6-56484036-T-G.
Other names: c.4831-4754A>C (NM_001144769.5); c.4930-4754A>C (NM_001374722.1, NM_001374736.1); c.4957-4754A>C (NM_001374734.1); c.4417-4754A>C (NM_001144770.2); c.4297-4754A>C (NM_001374730.1, NM_001386100.1, NM_183380.4 and 1 more transcripts); c.3319-4754A>C (NM_015548.5); short protein forms N1599T.
Identifiers: ClinVar variation 661445 (VCV000661445.7), dbSNP rs200015992, ClinGen allele CA3870474.

ClinVar aggregate classification (germline): Uncertain significance (1 of 4 stars; one submission).

Conditions:
Epidermolysis bullosa simplex 3, localized or generalized intermediate, with BP230 deficiency (EBS3). Also called: Epidermolysis bullosa simplex due to BP230 deficiency; Epidermolysis bullosa simplex, autosomal recessive 2. Identifiers: Orphanet 412181, MedGen C3809470, MONDO:0014180, OMIM 615425.
Hereditary sensory and autonomic neuropathy type 6. Also called: HSAN VI; Neuropathy, hereditary sensory and autonomic, type VI. Identifiers: Orphanet 314381, MedGen C3539003, MONDO:0013839, OMIM 614653.

Allele frequency attached by ClinVar (database versions not stated): TOPMed below 0.00001; ExAC 0.00004; gnomAD exomes 0.00006; gnomAD 0.00009; 1000 Genomes Project 30x 0.00016; 1000 Genomes Project 0.00020.
gnomAD v4.1: 50 of 1,613,524 alleles (0.0031%); highest among the groups gnomAD compares: Non-Finnish European, 0.0014%; no homozygotes.

Submission:

Labcorp Genetics (formerly Invitae), Labcorp
Classification: Uncertain significance for Epidermolysis bullosa simplex 3, localized or generalized intermediate, with BP230 deficiency; Hereditary sensory and autonomic neuropathy type 6. Last evaluated: 2018-08-29. Review status: criteria provided, single submitter. Criteria: Invitae Variant Classification Sherloc (09022015). Collection method: clinical testing. Allele origin: germline.
Comment: In summary, the available evidence is currently insufficient to determine the role of this variant in disease. Therefore, it has been classified as a Variant of Uncertain Significance. Algorithms developed to predict the effect of missense changes on protein structure and function (SIFT, PolyPhen-2, Align-GVGD) all suggest that this variant is likely to be tolerated, but these predictions have not been confirmed by published functional studies and their clinical significance is uncertain. This variant has not been reported in the literature in individuals with DST-related disease. This variant is present in population databases (rs200015992, ExAC 0.03%). This sequence change replaces asparagine with threonine at codon 1599 of the DST protein (p.Asn1599Thr). The asparagine residue is weakly conserved and there is a small physicochemical difference between asparagine and threonine.